The following is an entry in ClinVar:

NM_004360.5(CDH1):c.742del (p.Ile248fs)

Gene: CDH1 (cadherin 1; plus strand). Cytogenetic location: 16q22.1.
Variant type: Deletion.
Coding change: c.742del on transcript NM_004360.5 (MANE Select); coding-DNA position 742, one base deleted (A; older notation c.742delA).
Protein change: p.Ile248fs; shifts the reading frame from isoleucine 248.
Molecular consequence: frameshift variant. On other transcripts: 5 prime UTR variant (2).
Genome position (GRCh38, 1-based): chr16:68,810,251, A deleted. VCF-style (leftmost placement, unchanged base first): chr16-68810250-GA-G. GRCh37 (hg19) VCF-style: chr16-68844153-GA-G.
Other names: c.742del, p.Ile248fs (NM_001317184.2); c.-874del (NM_001317185.2); c.-1078del (NM_001317186.2); short protein forms I248fs.
Identifiers: ClinVar variation 3829996 (VCV003829996.1).

ClinVar aggregate classification (germline): Pathogenic (1 of 4 stars; one submission).

Conditions:
Hereditary cancer-predisposing syndrome. Also called: Hereditary neoplastic syndrome; Neoplastic Syndromes, Hereditary; Tumor predisposition; Hereditary Cancer Syndrome. Identifiers: Orphanet 140162, MedGen C0027672, MeSH D009386, MONDO:0015356.

Submission:

Ambry Genetics
Classification: Pathogenic for Hereditary cancer-predisposing syndrome. Last evaluated: 2025-03-02. Review status: criteria provided, single submitter. Criteria: Ambry Variant Classification Scheme 2023. Collection method: clinical testing. Allele origin: germline.
Comment: The c.742delA pathogenic mutation, located in coding exon 6 of the CDH1 gene, results from a deletion of one nucleotide at nucleotide position 742, causing a translational frameshift with a predicted alternate stop codon (p.I248Ffs*2). This variant is considered to be rare based on population cohorts in the Genome Aggregation Database (gnomAD). This alteration is expected to result in loss of function by premature protein truncation or nonsense-mediated mRNA decay. As such, this alteration is interpreted as a disease-causing mutation.